The following is an entry in ClinVar:

ClinVar aggregate classification (germline): Uncertain significance. Review status: criteria provided, multiple submitters, no conflicts (2 of 4 stars). 3 submissions from 3 submitters: Uncertain significance (2). 1 of the submissions does not count toward it. Last evaluated 2025-02-27.

Conditions:
Epidermolysis bullosa dystrophica. Also called: Dystrophic epidermolysis bullosa, Hallopeau-Siemens type (formerly); Dystrophic epidermolysis bullosa. Identifiers: Orphanet 303, MedGen C0079294, MONDO:0006543.
Epidermolysis bullosa dystrophica inversa, autosomal recessive. Identifiers: MedGen C2673612.

Allele frequency attached by ClinVar (database versions not stated): gnomAD exomes below 0.00001 and 0.00002; TOPMed below 0.00001; gnomAD 0.00001.
gnomAD v4.1: 27 of 1,613,732 alleles (0.0017%); highest among the groups gnomAD compares: Non-Finnish European, 0.0023%; no homozygotes.

Submissions (3):

Labcorp Genetics (formerly Invitae), Labcorp
Classification: Uncertain significance. Last evaluated: 2025-02-27. Review status: criteria provided, single submitter. Criteria: Invitae Variant Classification Sherloc (09022015). Collection method: clinical testing. Allele origin: germline.
Comment: This sequence change replaces glutamic acid, which is acidic and polar, with alanine, which is neutral and non-polar, at codon 2098 of the COL7A1 protein (p.Glu2098Ala). This variant is present in population databases (no rsID available, gnomAD 0.002%). This variant has not been reported in the literature in individuals affected with COL7A1-related conditions. ClinVar contains an entry for this variant (Variation ID: 345822). Invitae Evidence Modeling of protein sequence and biophysical properties (such as structural, functional, and spatial information, amino acid conservation, physicochemical variation, residue mobility, and thermodynamic stability) indicates that this missense variant is not expected to disrupt COL7A1 protein function with a negative predictive value of 95%. In summary, the available evidence is currently insufficient to determine the role of this variant in disease. Therefore, it has been classified as a Variant of Uncertain Significance.

Illumina Laboratory Services, Illumina
Classification: Uncertain significance for Dystrophic epidermolysis bullosa. Last evaluated: 2018-01-13. Review status: criteria provided, single submitter. Criteria: ICSL Variant Classification Criteria 13 December 2019. Collection method: clinical testing. Allele origin: germline.

Natera, Inc.
Classification: Uncertain significance for Autosomal recessive epidermolysis bullosa dystrophica inversa. Last evaluated: 2020-09-07. Review status: no assertion criteria provided. Collection method: clinical testing. Allele origin: germline. Not counted in ClinVar's aggregate classification.

NM_000094.4(COL7A1):c.6293A>C (p.Glu2098Ala)

Gene: COL7A1 (collagen type VII alpha 1 chain; minus strand). Cytogenetic location: 3p21.31.
Variant type: single nucleotide variant.
Coding change: c.6293A>C on transcript NM_000094.4 (MANE Select); coding-DNA position 6293, A replaced by C.
Protein change: p.Glu2098Ala; replaces glutamic acid 2098 with alanine.
Molecular consequence: missense variant.
Genome position (GRCh38, 1-based): chr3:48,574,852, T>G on the plus strand (A>C on the coding strand, the complement: COL7A1 is on the minus strand). VCF-style: chr3-48574852-T-G. GRCh37 (hg19) VCF-style: chr3-48612285-T-G.
Other names: short protein forms E2098A.
Identifiers: ClinVar variation 345822 (VCV000345822.8), dbSNP rs886058635, ClinGen allele CA10619099.
Genomic context (GRCh38, chr3:48,574,852, plus strand): 5'-CTGACCTTAGCACCCTTGAGTCCAGGGGGTCCCTGTTCTCCAGAGAGTCCAGGACCTGGC[T>G]CATCCACAGACACCTACAAACACAAGGTCACAGGGGAGAGATGTCTCTGTCATAGAGGCA-3'
Protein context (NP_000085.1, residues 2088-2108): GPPGPKVSVD[Glu2098Ala]PGPGLSGEQG